The following is an entry in ClinVar:

ClinVar aggregate classification (germline): Benign/Likely benign. Review status: criteria provided, multiple submitters, no conflicts (2 of 4 stars). 4 submissions from 4 submitters: Benign (1); Likely benign (3). Last evaluated 2026-01-13.

Conditions:
Lung cancer. Also called: Malignant tumor of lung; Lung cancer, somatic. Identifiers: MedGen C0242379, MONDO:0008903, OMIM 211980.
EGFR-related lung cancer (EGFR). Identifiers: MedGen CN130014.
EGFR-related disorder. Also called: EGFR-related condition.
Hereditary cancer-predisposing syndrome. Also called: Hereditary neoplastic syndrome; Hereditary Cancer Syndrome; Tumor predisposition; Neoplastic Syndromes, Hereditary. Identifiers: Orphanet 140162, MedGen C0027672, MeSH D009386, MONDO:0015356.

Allele frequency attached by ClinVar (database versions not stated): gnomAD 0.00001; TOPMed 0.00002; ExAC 0.00003; gnomAD exomes 0.00003; ESP Exome Variant Server 0.00008.
gnomAD v4.1: 49 of 1,614,070 alleles (0.003%); highest among the groups gnomAD compares: East Asian, 0.011%; no homozygotes.

Submissions (4):

PreventionGenetics, part of Exact Sciences
Classification: Likely benign for EGFR-related condition. Last evaluated: 2026-01-13. Review status: criteria provided, single submitter. Criteria: ACMG Guidelines, 2015. Collection method: clinical testing. Allele origin: germline.
Comment: This variant is classified as likely benign based on ACMG/AMP sequence variant interpretation guidelines (Richards et al. 2015 PMID: 25741868, with internal and published modifications).

Labcorp Genetics (formerly Invitae), Labcorp
Classification: Likely benign for EGFR-related lung cancer. Last evaluated: 2025-11-27. Review status: criteria provided, single submitter. Criteria: Invitae Variant Classification Sherloc (09022015). Collection method: clinical testing. Allele origin: germline.

Myriad Genetics, Inc.
Classification: Benign for Lung cancer. Last evaluated: 2024-10-16. Review status: criteria provided, single submitter. Criteria: Myriad Autosomal Dominant, Autosomal Recessive and X-Linked Classification Criteria (2023). Collection method: clinical testing. Allele origin: unknown.
Comment: This variant is considered benign. This variant is a silent/synonymous amino acid change and it is not expected to impact splicing.

Ambry Genetics
Classification: Likely benign for Hereditary cancer-predisposing syndrome. Last evaluated: 2024-03-13. Review status: criteria provided, single submitter. Criteria: Ambry Variant Classification Scheme 2023. Collection method: clinical testing. Allele origin: germline.

NM_005228.5(EGFR):c.2370G>A (p.Thr790=)

Genes: EGFR (epidermal growth factor receptor; plus strand), EGFR-AS1 (EGFR antisense RNA 1; minus strand). Cytogenetic location: 7p11.2.
Variant type: single nucleotide variant.
Coding change: c.2370G>A on transcript NM_005228.5 (MANE Select); coding-DNA position 2370, G replaced by A.
Protein change: p.Thr790=; no amino-acid change (threonine 790 retained).
Molecular consequence: synonymous variant. On other transcripts: non-coding transcript variant (1).
Genome position (GRCh38, 1-based): chr7:55,181,379, G>A. VCF-style: chr7-55181379-G-A. GRCh37 (hg19) VCF-style: chr7-55249072-G-A.
Other names: c.2235G>A, p.Thr745= (NM_001346897.2, NM_001346899.2); c.2370G>A, p.Thr790= (NM_001346898.2); c.2211G>A, p.Thr737= (NM_001346900.2); c.1569G>A, p.Thr523= (NM_001346941.2); c.2370G>A (NM_005228.4, NM_005228.3).
Identifiers: ClinVar variation 1155750 (VCV001155750.12), dbSNP rs376452156, ClinGen allele CA4266062.